The following is an entry in ClinVar:

ClinVar aggregate classification (germline): Benign. Review status: criteria provided, multiple submitters, no conflicts (2 of 4 stars). 2 submissions from 2 submitters: Benign (2). Last evaluated 2018-01-13.

Conditions:
CBL-related disorder. Also called: NOONAN SYNDROME-LIKE DISORDER WITHOUT JUVENILE MYELOMONOCYTIC LEUKEMIA; CBL MUTATION-ASSOCIATED SYNDROME; CBL SYNDROME. Identifiers: Orphanet 363972, MedGen C3150803, MONDO:0013308, OMIM 613563.

Allele frequency attached by ClinVar (database versions not stated): gnomAD exomes 0.00150; 1000 Genomes Project 0.00819; gnomAD 0.00834 and 0.00899; 1000 Genomes Project 30x 0.00843; TOPMed 0.00950.
gnomAD v4.1: 1,359 of 216,488 alleles (0.63%); highest among the groups gnomAD compares: African/African-American, 2.8%; 23 homozygotes.

Submissions (2):

Illumina Laboratory Services, Illumina
Classification: Benign for CBL-related disorder. Last evaluated: 2018-01-13. Review status: criteria provided, single submitter. Criteria: ICSL Variant Classification Criteria 13 December 2019. Collection method: clinical testing. Allele origin: germline.
Comment: This variant was observed in the ICSL laboratory as part of a predisposition screen in an ostensibly healthy population. It had not been previously curated by ICSL or reported in the Human Gene Mutation Database (HGMD: prior to June 1st, 2018), and was therefore a candidate for classification through an automated scoring system. Utilizing variant allele frequency, disease prevalence and penetrance estimates, and inheritance mode, an automated score was calculated to assess if this variant is too frequent to cause the disease. Based on the score and internal cut-off values, a variant classified as benign is not then subjected to further curation. The score for this variant resulted in a classification of benign for this disease.

Breakthrough Genomics
Classification: Benign. Review status: criteria provided, single submitter. Criteria: ACMG Guidelines, 2015. Collection method: not provided. Allele origin: germline. Inheritance: Autosomal dominant inheritance. Affected: yes.

NM_005188.4(CBL):c.*4868T>C

Gene: CBL (Cbl proto-oncogene; plus strand). Cytogenetic location: 11q23.3.
Variant type: single nucleotide variant.
Coding change: c.*4868T>C on transcript NM_005188.4 (MANE Select); 4868 bases downstream of the stop codon, T replaced by C.
Molecular consequence: 3 prime UTR variant.
Genome position (GRCh38, 1-based): chr11:119,304,649, T>C. VCF-style: chr11-119304649-T-C. GRCh37 (hg19) VCF-style: chr11-119175359-T-C.
Identifiers: ClinVar variation 302856 (VCV000302856.6), dbSNP rs150159135, ClinGen allele CA10637914.